The following is an entry in ClinVar:

ClinVar aggregate classification (germline): Conflicting classifications of pathogenicity. Review status: criteria provided, conflicting classifications (1 of 4 stars). 2 submissions from 2 submitters: Uncertain significance (1); Likely benign (1). Last evaluated 2025-08-29.

Conditions:
Adams-Oliver syndrome 5 (AOS5). Identifiers: Orphanet 974, MedGen C4014970, MONDO:0014459, OMIM 616028.
Familial thoracic aortic aneurysm and aortic dissection (TAAD). Also called: Thoracic aortic aneurysms and dissections. Identifiers: Orphanet 91387, MedGen C4707243, MONDO:0019625.

Allele frequency attached by ClinVar (database versions not stated): TOPMed below 0.00001.

Submissions (2):

Labcorp Genetics (formerly Invitae), Labcorp
Classification: Uncertain significance for Adams-Oliver syndrome 5. Last evaluated: 2025-08-29. Review status: criteria provided, single submitter. Criteria: Invitae Variant Classification Sherloc (09022015). Collection method: clinical testing. Allele origin: germline.
Comment: This sequence change replaces threonine, which is neutral and polar, with alanine, which is neutral and non-polar, at codon 1351 of the NOTCH1 protein (p.Thr1351Ala). This variant is not present in population databases (gnomAD no frequency). This variant has not been reported in the literature in individuals affected with NOTCH1-related conditions. ClinVar contains an entry for this variant (Variation ID: 2586745). Invitae Evidence Modeling of protein sequence and biophysical properties (such as structural, functional, and spatial information, amino acid conservation, physicochemical variation, residue mobility, and thermodynamic stability) indicates that this missense variant is not expected to disrupt NOTCH1 protein function with a negative predictive value of 80%. In summary, the available evidence is currently insufficient to determine the role of this variant in disease. Therefore, it has been classified as a Variant of Uncertain Significance.

Ambry Genetics
Classification: Likely benign for Familial thoracic aortic aneurysm and aortic dissection. Last evaluated: 2023-07-05. Review status: criteria provided, single submitter. Criteria: Ambry Variant Classification Scheme 2023. Collection method: clinical testing. Allele origin: germline.

NM_017617.5(NOTCH1):c.4051A>G (p.Thr1351Ala)

Gene: NOTCH1 (notch receptor 1; minus strand). Cytogenetic location: 9q34.3.
Variant type: single nucleotide variant.
Coding change: c.4051A>G on transcript NM_017617.5 (MANE Select); coding-DNA position 4051, A replaced by G.
Protein change: p.Thr1351Ala; replaces threonine 1351 with alanine.
Molecular consequence: missense variant.
Genome position (GRCh38, 1-based): chr9:136,505,845, T>C on the plus strand (A>G on the coding strand, the complement: NOTCH1 is on the minus strand). VCF-style: chr9-136505845-T-C. GRCh37 (hg19) VCF-style: chr9-139400297-T-C.
Other names: short protein forms T1351A.
Identifiers: ClinVar variation 2586745 (VCV002586745.3), dbSNP rs1589059043, ClinGen allele CA375548321.